The following is an entry in ClinVar:

NM_001374353.1(GLI2):c.2243G>C (p.Gly748Ala)

Gene: GLI2 (GLI family zinc finger 2; plus strand). Cytogenetic location: 2q14.2.
Variant type: single nucleotide variant.
Coding change: c.2243G>C on transcript NM_001374353.1 (MANE Select); coding-DNA position 2243, G replaced by C.
Protein change: p.Gly748Ala; replaces glycine 748 with alanine.
Molecular consequence: missense variant.
Genome position (GRCh38, 1-based): chr2:120,988,208, G>C. VCF-style: chr2-120988208-G-C. GRCh37 (hg19) VCF-style: chr2-121745784-G-C.
Other names: c.2294G>C, p.Gly765Ala (NM_001371271.1, NM_005270.5); c.1868G>C, p.Gly623Ala (NM_001374354.1); short protein forms G623A, G765A, G748A.
Identifiers: ClinVar variation 2056966 (VCV002056966.4), dbSNP rs756712721, ClinGen allele CA1852195.

ClinVar aggregate classification (germline): Uncertain significance (1 of 4 stars; one submission).

Conditions:
Holoprosencephaly 9 (HPE9). Also called: HOLOPROSENCEPHALY WITH MICROPHTHALMIA AND FIRST BRANCHIAL ARCH ANOMALIES; PITUITARY ANOMALIES WITH HOLOPROSENCEPHALY-LIKE FEATURES. Identifiers: Orphanet 2162, MedGen C1835819, MONDO:0012563, OMIM 610829.
Postaxial polydactyly-anterior pituitary anomalies-facial dysmorphism syndrome. Also called: Culler-Jones syndrome. Identifiers: Orphanet 420584, MedGen C4014479, MONDO:0014369, OMIM 615849.

Allele frequency attached by ClinVar (database versions not stated): ExAC 0.00004.
gnomAD v4.1: 29 of 1,586,386 alleles (0.0018%); highest among the groups gnomAD compares: Non-Finnish European, 0.0024%; no homozygotes.

Submission:

Labcorp Genetics (formerly Invitae), Labcorp
Classification: Uncertain significance for Postaxial polydactyly-anterior pituitary anomalies-facial dysmorphism syndrome; Holoprosencephaly 9. Last evaluated: 2024-06-19. Review status: criteria provided, single submitter. Criteria: Invitae Variant Classification Sherloc (09022015). Collection method: clinical testing. Allele origin: germline.
Comment: This sequence change replaces glycine, which is neutral and non-polar, with alanine, which is neutral and non-polar, at codon 765 of the GLI2 protein (p.Gly765Ala). This variant is present in population databases (rs756712721, gnomAD 0.004%). This variant has not been reported in the literature in individuals affected with GLI2-related conditions. ClinVar contains an entry for this variant (Variation ID: 2056966). An algorithm developed to predict the effect of missense changes on protein structure and function (PolyPhen-2) suggests that this variant is likely to be disruptive. In summary, the available evidence is currently insufficient to determine the role of this variant in disease. Therefore, it has been classified as a Variant of Uncertain Significance.